The following is an entry in ClinVar:

ClinVar aggregate classification (germline): Uncertain significance. Review status: criteria provided, multiple submitters, no conflicts (2 of 4 stars). 2 submissions from 2 submitters: Uncertain significance (2). Last evaluated 2026-05-07.

Conditions:
Inborn genetic diseases. Identifiers: MedGen C0950123, MeSH D030342.
SIM1-related disorder. Also called: SIM1-related disorders; SIM1-related condition.

gnomAD v4.1: 3 of 1,609,308 alleles (0.00019%); highest among the groups gnomAD compares: African/African-American, 0.0013%; no homozygotes.

Submissions (2):

PreventionGenetics, part of Exact Sciences
Classification: Uncertain significance for SIM1-related condition. Last evaluated: 2026-05-07. Review status: criteria provided, single submitter. Criteria: ACMG Guidelines, 2015. Collection method: clinical testing. Allele origin: germline.
Comment: The SIM1 c.544G>C variant is predicted to result in the amino acid substitution p.Val182Leu. To our knowledge, this variant has not been reported in the literature. This variant is reported in 0.0065% of alleles in individuals of European (Non-Finnish) descent in gnomAD. At this time, the clinical significance of this variant is uncertain due to the absence of conclusive functional and genetic evidence.

Ambry Genetics
Classification: Uncertain significance for Inborn genetic diseases. Last evaluated: 2025-08-25. Review status: criteria provided, single submitter. Criteria: Ambry Variant Classification Scheme 2023. Collection method: clinical testing. Allele origin: germline.

NM_005068.3(SIM1):c.544G>C (p.Val182Leu)

Gene: SIM1 (SIM bHLH transcription factor 1; minus strand). Cytogenetic location: 6q16.3.
Variant type: single nucleotide variant.
Coding change: c.544G>C on transcript NM_005068.3 (MANE Select); coding-DNA position 544, G replaced by C.
Protein change: p.Val182Leu; replaces valine 182 with leucine.
Molecular consequence: missense variant.
Genome position (GRCh38, 1-based): chr6:100,448,678, C>G on the plus strand (G>C on the coding strand, the complement: SIM1 is on the minus strand). VCF-style: chr6-100448678-C-G. GRCh37 (hg19) VCF-style: chr6-100896554-C-G.
Other names: c.544G>C, p.Val182Leu (NM_001374769.1); short protein forms V182L.
Identifiers: ClinVar variation 3353257 (VCV003353257.3).
Genomic context (GRCh38, chr6:100,448,678, plus strand): 5'-CGAAGGGGGACATGTCCAGGCTGTACTGGCGGATCTTCAAGTAGCCGCTGCAGTGGATGA[C>G]CTGAGGCAGAGGGATAGGGAGGGAGACTCAGCCACAGGTAGGAAGAGCCCCCAAAAGGTG-3'
Protein context (NP_005059.2, residues 172-192): NAGLTCGGYK[Val182Leu]IHCSGYLKIR